The following is an entry in ClinVar:

NM_020338.4(ZMIZ1):c.1030_1031dup (p.Ser345fs)

Gene: ZMIZ1 (zinc finger MIZ-type containing 1; plus strand). Cytogenetic location: 10q22.3.
Variant type: Duplication.
Coding change: c.1030_1031dup on transcript NM_020338.4 (MANE Select); coding-DNA positions 1030 to 1031, 2 bases duplicated (GG; older notation c.1030_1031dupGG).
Protein change: p.Ser345fs; shifts the reading frame from serine 345.
Molecular consequence: frameshift variant.
Genome position (GRCh38, 1-based): chr10:79,293,453-79,293,454, GG duplicated; duplicating any 2 consecutive bases within chr10:79,293,449-79,293,454 gives the same sequence; the c. name uses the placement nearest the transcript's 3' end. VCF-style (leftmost placement, unchanged base first): chr10-79293448-T-TGG. GRCh37 (hg19) VCF-style: chr10-81053205-T-TGG.
Other names: c.1030_1031dupGG (NM_020338.4); short protein forms S345fs.
Identifiers: ClinVar variation 1334448 (VCV001334448.2), dbSNP rs2132037242, ClinGen allele CA2573053316.

ClinVar aggregate classification (germline): Likely pathogenic (0 of 4 stars; one submission).

Conditions:
Neurodevelopmental disorder with dysmorphic facies and distal skeletal anomalies. Identifiers: MedGen C5231448, MONDO:0032855, OMIM 618659.

Submission:

Institute of Human Genetics, University of Goettingen
Classification: Likely pathogenic for Neurodevelopmental disorder with dysmorphic facies and distal skeletal anomalies. Last evaluated: 2021-11-16. Review status: no assertion criteria provided. Collection method: clinical testing. Allele origin: germline. Affected: yes. Observed: 1 heterozygote.
Comment: Neurodevelopmental disorder with dysmorphic facies and distal skeletal anomalies